The following is an entry in ClinVar:

NM_007186.6(CEP250):c.4027C>T (p.Arg1343Ter)

Gene: CEP250 (centrosomal protein 250; plus strand). Cytogenetic location: 20q11.22.
Variant type: single nucleotide variant.
Coding change: c.4027C>T on transcript NM_007186.6 (MANE Select); coding-DNA position 4027, C replaced by T.
Protein change: p.Arg1343Ter; replaces arginine 1343 with a stop codon.
Molecular consequence: nonsense.
Genome position (GRCh38, 1-based): chr20:35,502,396, C>T. VCF-style: chr20-35502396-C-T. GRCh37 (hg19) VCF-style: chr20-34090224-C-T.
Other names: c.2131C>T, p.Arg711Ter (NM_001318219.1); c.4027C>T (NM_007186.5); short protein forms R1343*, R711*.
Identifiers: ClinVar variation 1441102 (VCV001441102.9), dbSNP rs774612231, ClinGen allele CA9833649.

ClinVar aggregate classification (germline): Pathogenic/Likely pathogenic. Review status: criteria provided, multiple submitters, no conflicts (2 of 4 stars). 3 submissions from 3 submitters: Pathogenic (2); Likely pathogenic (1). Last evaluated 2024-10-24.

Conditions:
Cone-rod dystrophy and hearing loss 2 (CRDHL2). Identifiers: MedGen C5193051, MONDO:0020780, OMIM 618358.
CEP250-related disorder. Also called: CEP250-related condition.

Allele frequency attached by ClinVar (database versions not stated): gnomAD exomes below 0.00001 and 0.00002; ExAC 0.00001; TOPMed 0.00001.
gnomAD v4.1: 22 of 1,611,606 alleles (0.0014%); highest among the groups gnomAD compares: African/African-American, 0.0027%; no homozygotes.

Submissions (4):

Labcorp Genetics (formerly Invitae), Labcorp
Classification: Pathogenic. Last evaluated: 2024-10-24. Review status: criteria provided, single submitter. Criteria: Invitae Variant Classification Sherloc (09022015). Collection method: clinical testing. Allele origin: germline.
Comment: This sequence change creates a premature translational stop signal (p.Arg1343*) in the CEP250 gene. It is expected to result in an absent or disrupted protein product. Loss-of-function variants in CEP250 are known to be pathogenic (PMID: 24780881, 29718797). This variant is present in population databases (rs774612231, gnomAD 0.004%). This variant has not been reported in the literature in individuals affected with CEP250-related conditions. ClinVar contains an entry for this variant (Variation ID: 1441102). For these reasons, this variant has been classified as Pathogenic.

Blueprint Genetics
Classification: Likely pathogenic for CEP250-related disorders. Last evaluated: 2024-06-05. Review status: criteria provided, single submitter. Criteria: ACMG Guidelines, 2015. Collection method: clinical testing. Allele origin: germline. Affected: yes. Observed: 5 variant alleles.

Laboratoire de Génétique Moléculaire, CHU Bordeaux
Classification: Pathogenic for Cone-rod dystrophy and hearing loss 2. Review status: criteria provided, single submitter. Criteria: ACMG Guidelines, 2015. Collection method: clinical testing. Allele origin: germline. Affected: yes.

Dr. Peter K. Rogan Lab, Western University
No classification provided (evidence only). Condition: Thyroid cancer, nonmedullary, 1. Review status: no classification provided. Collection method: in vitro. Allele origin: not applicable. Functional consequence: retained intron. Not counted in ClinVar's aggregate classification.

Literature cited by the submitters: PubMed 24780881 (cited by Labcorp Genetics (formerly Invitae), Labcorp); PubMed 29718797 (cited by Labcorp Genetics (formerly Invitae), Labcorp).